The following is an entry in ClinVar:

ClinVar aggregate classification (germline): Uncertain significance (0 of 4 stars; one submission).

Conditions:
STXBP5L-related disorder. Also called: STXBP5L-related condition.

Allele frequency attached by ClinVar (database versions not stated): gnomAD exomes below 0.00001.
gnomAD v4.1: 3 of 1,613,392 alleles (0.00019%); highest among the groups gnomAD compares: Admixed American, 0.0033%; no homozygotes.

Submission:

PreventionGenetics, part of Exact Sciences
Classification: Uncertain significance for STXBP5L-related condition. Last evaluated: 2024-02-15. Review status: no assertion criteria provided. Collection method: clinical testing. Allele origin: germline.
Comment: The STXBP5L c.2906T>C variant is predicted to result in the amino acid substitution p.Leu969Pro. To our knowledge, this variant has not been reported in the literature or in a large population database, indicating this variant is rare. At this time, the clinical significance of this variant is uncertain due to the absence of conclusive functional and genetic evidence.

NM_001308330.2(STXBP5L):c.2834T>C (p.Leu945Pro)

Gene: STXBP5L (syntaxin binding protein 5L; plus strand). Cytogenetic location: 3q13.33.
Variant type: single nucleotide variant.
Coding change: c.2834T>C on transcript NM_001308330.2 (MANE Select); coding-DNA position 2834, T replaced by C.
Protein change: p.Leu945Pro; replaces leucine 945 with proline.
Molecular consequence: missense variant. On other transcripts: non-coding transcript variant (1).
Genome position (GRCh38, 1-based): chr3:121,407,489, T>C. VCF-style: chr3-121407489-T-C. GRCh37 (hg19) VCF-style: chr3-121126336-T-C.
Other names: c.2906T>C, p.Leu969Pro (NM_001348343.2, NM_014980.3); c.2834T>C, p.Leu945Pro (NM_001348344.2, NM_001348345.2); short protein forms L945P, L969P.
Identifiers: ClinVar variation 3029147 (VCV003029147.2), dbSNP rs2546707035, ClinGen allele CA354086370.
Genomic context (GRCh38, chr3:121,407,489, plus strand): 5'-ATACAATAATCTGCTCAGAAAAACAAGCCAAAGTCTTCTCACTGCCTTCTCAGACTTGCC[T>C]TTATGTTCATAACATCACGGAGACATCTTTTATACTGCAAGCAAATGTGGTGGTCATGTG-3'
Protein context (NP_001295259.1, residues 935-955): KVFSLPSQTC[Leu945Pro]YVHNITETSF